The following is an entry in ClinVar:

ClinVar aggregate classification (germline): Pathogenic (1 of 4 stars; one submission).

Conditions:
Familial thoracic aortic aneurysm and aortic dissection (TAAD). Also called: Thoracic aortic aneurysms and dissections. Identifiers: Orphanet 91387, MedGen C4707243, MONDO:0019625.
Marfan syndrome (MFS). Also called: FBN1-Related Marfan Syndrome; Marfan syndrome type 1; Marfan's syndrome; Marfan syndrome, classic; MARFAN SYNDROME, TYPE I. Identifiers: Orphanet 284963, Orphanet 558, MedGen C0024796, MONDO:0007947, OMIM 154700.

Submission:

Labcorp Genetics (formerly Invitae), Labcorp
Classification: Pathogenic for Marfan syndrome; Familial thoracic aortic aneurysm and aortic dissection. Last evaluated: 2022-10-04. Review status: criteria provided, single submitter. Criteria: Invitae Variant Classification Sherloc (09022015). Collection method: clinical testing. Allele origin: germline.
Comment: This sequence change replaces cysteine, which is neutral and slightly polar, with tyrosine, which is neutral and polar, at codon 129 of the FBN1 protein (p.Cys129Tyr). This variant is not present in population databases (gnomAD no frequency). This missense change has been observed in individual(s) with Marfan syndrome (PMID: 7611299, 19533785, 21135753). In at least one individual the variant was observed to be de novo. ClinVar contains an entry for this variant (Variation ID: 574616). Advanced modeling of protein sequence and biophysical properties (such as structural, functional, and spatial information, amino acid conservation, physicochemical variation, residue mobility, and thermodynamic stability) performed at Invitae indicates that this missense variant is expected to disrupt FBN1 protein function. This variant affects a cysteine residue in the EGF-like, TGFBP or hybrid motif domains of FBN1. Cysteine residues are believed to be involved in intramolecular disulfide bridges and have been shown to be important for FBN1 protein structure (PMID: 16905551, 19349279). In addition, missense substitutions affecting cysteine residues within these domains are significantly overrepresented among patients with Marfan syndrome (PMID: 16571647, 17701892). For these reasons, this variant has been classified as Pathogenic.

Literature cited by the submitters: PubMed 7611299; PubMed 19533785; PubMed 21135753; PubMed 16905551; PubMed 19349279; PubMed 16571647; PubMed 17701892.

NM_000138.5(FBN1):c.386G>A (p.Cys129Tyr)

Gene: FBN1 (fibrillin 1; minus strand). Cytogenetic location: 15q21.1.
Variant type: single nucleotide variant.
Coding change: c.386G>A on transcript NM_000138.5 (MANE Select); coding-DNA position 386, G replaced by A.
Protein change: p.Cys129Tyr; replaces cysteine 129 with tyrosine.
Molecular consequence: missense variant.
Genome position (GRCh38, 1-based): chr15:48,600,195, C>T on the plus strand (G>A on the coding strand, the complement: FBN1 is on the minus strand). VCF-style: chr15-48600195-C-T. GRCh37 (hg19) VCF-style: chr15-48892392-C-T.
Other names: short protein forms C129Y.
Identifiers: ClinVar variation 574616 (VCV000574616.8), dbSNP rs1566935517, ClinGen allele CA392446558.